The following is an entry in ClinVar:

ClinVar aggregate classification (germline): Uncertain significance. Review status: criteria provided, multiple submitters, no conflicts (2 of 4 stars). 2 submissions from 2 submitters: Uncertain significance (2). Last evaluated 2026-08-01.

Submissions (2):

CeGaT Center for Human Genetics Tuebingen
Classification: Uncertain significance. Last evaluated: 2026-08-01. Review status: criteria provided, single submitter. Criteria: CeGaT Center For Human Genetics Tuebingen Variant Classification Criteria Version 2. Collection method: clinical testing. Allele origin: germline. Affected: yes. Observed: 1 variant allele.
Comment: POLRMT: PM2

Ambry Genetics
Classification: Uncertain significance. Last evaluated: 2025-12-10. Review status: criteria provided, single submitter. Criteria: Ambry Variant Classification Scheme 2023. Collection method: clinical testing. Allele origin: germline.

NM_005035.4(POLRMT):c.211C>T (p.Arg71Trp)

Gene: POLRMT (RNA polymerase mitochondrial; minus strand). Cytogenetic location: 19p13.3.
Variant type: single nucleotide variant.
Coding change: c.211C>T on transcript NM_005035.4 (MANE Select); coding-DNA position 211, C replaced by T.
Protein change: p.Arg71Trp; replaces arginine 71 with tryptophan.
Molecular consequence: missense variant. On other transcripts: 5 prime UTR variant (5), non-coding transcript variant (1).
Genome position (GRCh38, 1-based): chr19:630,151, G>A on the plus strand (C>T on the coding strand, the complement: POLRMT is on the minus strand). VCF-style: chr19-630151-G-A. GRCh37 (hg19) VCF-style: chr19-630151-G-A.
Other names: c.211C>T, p.Arg71Trp (NM_001407805.1, NM_001407806.1, NM_001407807.1 and 12 more transcripts); c.-114C>T (NM_001407831.1, NM_001407833.1, NM_001407834.1 and 2 more transcripts); short protein forms R71W.
Identifiers: ClinVar variation 4570425 (VCV004570425.2).